The following is an entry in ClinVar:

NM_024664.4(PPCS):c.929G>A (p.Arg310Lys)

Genes: CCDC30 (coiled-coil domain containing 30; plus strand), PPCS (phosphopantothenoylcysteine synthetase; plus strand). Cytogenetic location: 1p34.2.
Variant type: single nucleotide variant.
Coding change: c.929G>A on transcript NM_024664.4 (MANE Select); coding-DNA position 929, G replaced by A.
Protein change: p.Arg310Lys; replaces arginine 310 with lysine.
Molecular consequence: missense variant. On other transcripts: intron variant (2).
Genome position (GRCh38, 1-based): chr1:42,459,919, G>A. VCF-style: chr1-42459919-G-A. GRCh37 (hg19) VCF-style: chr1-42925590-G-A.
Other names: c.612+2569G>A (NM_001287511.2); c.410G>A, p.Arg137Lys (NM_001077447.3, NM_001287506.1, NM_001287508.2 and 2 more transcripts); c.311G>A, p.Arg104Lys (NM_001287507.1); c.-880+2569G>A (NM_001355226.2); short protein forms R137K, R310K, R104K.
Identifiers: ClinVar variation 1379609 (VCV001379609.4), dbSNP rs368483468, ClinGen allele CA800095.

ClinVar aggregate classification (germline): Uncertain significance (1 of 4 stars; one submission).

Allele frequency attached by ClinVar (database versions not stated): gnomAD exomes 0.00001 and below 0.00001; TOPMed 0.00001; ExAC 0.00001; gnomAD 0.00001; ESP Exome Variant Server 0.00009.
gnomAD v4.1: 2 of 1,603,792 alleles (0.00012%); highest among the groups gnomAD compares: African/African-American, 0.0027%; no homozygotes.

Submission:

Labcorp Genetics (formerly Invitae), Labcorp
Classification: Uncertain significance. Last evaluated: 2021-12-11. Review status: criteria provided, single submitter. Criteria: Invitae Variant Classification Sherloc (09022015). Collection method: clinical testing. Allele origin: germline.
Comment: This sequence change replaces arginine, which is basic and polar, with lysine, which is basic and polar, at codon 310 of the PPCS protein (p.Arg310Lys). This variant is present in population databases (rs368483468, gnomAD 0.02%). This variant has not been reported in the literature in individuals affected with PPCS-related conditions. Algorithms developed to predict the effect of missense changes on protein structure and function output the following: SIFT: "Tolerated"; PolyPhen-2: "Benign"; Align-GVGD: "Class C0". The lysine amino acid residue is found in multiple mammalian species, which suggests that this missense change does not adversely affect protein function. In summary, the available evidence is currently insufficient to determine the role of this variant in disease. Therefore, it has been classified as a Variant of Uncertain Significance.